The following is an entry in ClinVar:

NM_001875.5(CPS1):c.1673A>G (p.Asn558Ser)

Gene: CPS1 (carbamoyl-phosphate synthase 1; plus strand). Cytogenetic location: 2q34.
Variant type: single nucleotide variant.
Coding change: c.1673A>G on transcript NM_001875.5 (MANE Select); coding-DNA position 1673, A replaced by G.
Protein change: p.Asn558Ser; replaces asparagine 558 with serine.
Molecular consequence: missense variant. On other transcripts: non-coding transcript variant (2).
Genome position (GRCh38, 1-based): chr2:210,600,678, A>G. VCF-style: chr2-210600678-A-G. GRCh37 (hg19) VCF-style: chr2-211465402-A-G.
Other names: c.1673A>G, p.Asn558Ser (NM_001122633.3, NM_001369257.1); c.1706A>G, p.Asn569Ser (NM_001369256.1); short protein forms N558S, N569S.
Identifiers: ClinVar variation 967565 (VCV000967565.7), dbSNP rs1698690768, ClinGen allele CA350436995.

ClinVar aggregate classification (germline): Uncertain significance. Review status: criteria provided, multiple submitters, no conflicts (2 of 4 stars). 3 submissions from 3 submitters: Uncertain significance (2). 1 of the submissions does not count toward it. Last evaluated 2024-03-20.

Conditions:
Inborn genetic diseases. Identifiers: MedGen C0950123, MeSH D030342.
Congenital hyperammonemia, type I. Also called: Carbamoyl-phosphate synthase I deficiency; CPS I DEFICIENCY; Carbamoyl phosphate synthetase 1 deficiency; Hyperammonemia due to carbamoyl phosphate synthetase 1 deficiency; CPS 1 deficiency; Carbamyl phosphate synthetase (CPS) deficiency. Identifiers: Orphanet 147, MedGen C4082171, MONDO:0009376, OMIM 237300.

Allele frequency attached by ClinVar (database versions not stated): TOPMed below 0.00001; gnomAD 0.00001; gnomAD exomes 0.00001.
gnomAD v4.1: 12 of 1,612,060 alleles (0.00074%); highest among the groups gnomAD compares: South Asian, 0.0033%; no homozygotes.

Submissions (3):

Ambry Genetics
Classification: Uncertain significance for Inborn genetic diseases. Last evaluated: 2024-03-20. Review status: criteria provided, single submitter. Criteria: Ambry Variant Classification Scheme 2023. Collection method: clinical testing. Allele origin: germline.

Labcorp Genetics (formerly Invitae), Labcorp
Classification: Uncertain significance for Congenital hyperammonemia, type I. Last evaluated: 2022-02-24. Review status: criteria provided, single submitter. Criteria: Invitae Variant Classification Sherloc (09022015). Collection method: clinical testing. Allele origin: germline.
Comment: This sequence change replaces asparagine, which is neutral and polar, with serine, which is neutral and polar, at codon 558 of the CPS1 protein (p.Asn558Ser). This variant is not present in population databases (gnomAD no frequency). This variant has not been reported in the literature in individuals affected with CPS1-related conditions. ClinVar contains an entry for this variant (Variation ID: 967565). Algorithms developed to predict the effect of missense changes on protein structure and function are either unavailable or do not agree on the potential impact of this missense change (SIFT: "Deleterious"; PolyPhen-2: "Benign"; Align-GVGD: "Class C0"). In summary, the available evidence is currently insufficient to determine the role of this variant in disease. Therefore, it has been classified as a Variant of Uncertain Significance.

Natera, Inc.
Classification: Uncertain significance for Carbamoyl-phosphate synthase I deficiency. Last evaluated: 2020-05-15. Review status: no assertion criteria provided. Collection method: clinical testing. Allele origin: germline. Not counted in ClinVar's aggregate classification.